The following is an entry in ClinVar:

ClinVar aggregate classification (germline): Uncertain significance (1 of 4 stars; one submission).

Allele frequency attached by ClinVar (database versions not stated): ExAC 0.00001.
gnomAD v4.1: 10 of 1,613,966 alleles (0.00062%); highest among the groups gnomAD compares: East Asian, 0.0022%; no homozygotes.

Submission:

Labcorp Genetics (formerly Invitae), Labcorp
Classification: Uncertain significance. Last evaluated: 2022-08-19. Review status: criteria provided, single submitter. Criteria: Invitae Variant Classification Sherloc (09022015). Collection method: clinical testing. Allele origin: germline.
Comment: This sequence change replaces proline, which is neutral and non-polar, with leucine, which is neutral and non-polar, at codon 494 of the LARS2 protein (p.Pro494Leu). This variant is present in population databases (rs759483641, gnomAD 0.006%). This variant has not been reported in the literature in individuals affected with LARS2-related conditions. Algorithms developed to predict the effect of missense changes on protein structure and function (SIFT, PolyPhen-2, Align-GVGD) all suggest that this variant is likely to be disruptive. In summary, the available evidence is currently insufficient to determine the role of this variant in disease. Therefore, it has been classified as a Variant of Uncertain Significance.

NM_015340.4(LARS2):c.1481C>T (p.Pro494Leu)

Genes: LARS2 (leucyl-tRNA synthetase 2, mitochondrial; plus strand), LARS2-AS1 (LARS2 antisense RNA 1; minus strand). Cytogenetic location: 3p21.31.
Variant type: single nucleotide variant.
Coding change: c.1481C>T on transcript NM_015340.4 (MANE Select); coding-DNA position 1481, C replaced by T.
Protein change: p.Pro494Leu; replaces proline 494 with leucine.
Molecular consequence: missense variant.
Genome position (GRCh38, 1-based): chr3:45,491,758, C>T. VCF-style: chr3-45491758-C-T. GRCh37 (hg19) VCF-style: chr3-45533250-C-T.
Other names: c.1481C>T, p.Pro494Leu (NM_001368263.1); short protein forms P494L.
Identifiers: ClinVar variation 2143675 (VCV002143675.1), dbSNP rs759483641, ClinGen allele CA2349611.